The following is an entry in ClinVar:

NM_003718.5(CDK13):c.351G>C (p.Lys117Asn)

Genes: CDK13 (cyclin dependent kinase 13; plus strand), LOC129998292 (ATAC-STARR-seq lymphoblastoid silent region 18115; plus strand). Cytogenetic location: 7p14.1.
Variant type: single nucleotide variant.
Coding change: c.351G>C on transcript NM_003718.5 (MANE Select); coding-DNA position 351, G replaced by C.
Protein change: p.Lys117Asn; replaces lysine 117 with asparagine.
Molecular consequence: missense variant.
Genome position (GRCh38, 1-based): chr7:39,950,992, G>C. VCF-style: chr7-39950992-G-C. GRCh37 (hg19) VCF-style: chr7-39990591-G-C.
Other names: c.351G>C, p.Lys117Asn (NM_031267.4); short protein forms K117N.
Identifiers: ClinVar variation 5037134 (VCV005037134.1).

ClinVar aggregate classification (germline): Uncertain significance (1 of 4 stars; one submission).

gnomAD v4.1: 1 of 1,310,476 alleles (0.000076%); highest among the groups gnomAD compares: South Asian, 0.0023%; no homozygotes.

Submission:

GeneDx
Classification: Uncertain significance. Last evaluated: 2026-04-13. Review status: criteria provided, single submitter. Criteria: GeneDx Variant Classification Process June 2021. Collection method: clinical testing. Allele origin: germline.
Comment: Not observed at significant frequency in large population cohorts (gnomAD); In silico analysis suggests that this missense variant does not alter protein structure/function; Has not been previously published as pathogenic or benign to our knowledge